The following is an entry in ClinVar:

ClinVar aggregate classification (germline): Uncertain significance. Review status: criteria provided, multiple submitters, no conflicts (2 of 4 stars). 3 submissions from 3 submitters: Uncertain significance (3). Last evaluated 2026-06-22.

Conditions:
CREBBP-related disorder. Also called: CREBBP-related condition; CREBBP-related disorders.
Rubinstein-Taybi syndrome due to CREBBP mutations (RSTS1). Also called: RUBINSTEIN SYNDROME; RUBINSTEIN-TAYBI SYNDROME 1, INCOMPLETE; BROAD THUMBS AND GREAT TOES, CHARACTERISTIC FACIES, AND IMPAIRED INTELLECTUAL DEVELOPMENT; CREBBP-Related Rubinstein-Taybi Syndrome; BROAD THUMB-HALLUX SYNDROME; Rubinstein-Taybi syndrome 1. Identifiers: Orphanet 353277, Orphanet 783, MedGen C4551859, MONDO:0008393, OMIM 180849.
Menke-Hennekam syndrome 1 (MKHK1). Identifiers: MedGen C5193034, MONDO:0020763, OMIM 618332.
Rubinstein-Taybi syndrome (RSTS). Identifiers: Orphanet 783, MedGen C0035934, MONDO:0019188.

Submissions (3):

PreventionGenetics, part of Exact Sciences
Classification: Uncertain significance for CREBBP-related condition. Last evaluated: 2026-06-22. Review status: criteria provided, single submitter. Criteria: ACMG Guidelines, 2015. Collection method: clinical testing. Allele origin: germline.
Comment: The CREBBP c.6348_6383dup36 variant is predicted to result in an in-frame duplication (p.Leu2121_Gly2132dup). To our knowledge, this variant has not been reported in the literature or in a large population database (gnomAD), indicating this variant is rare. At this time, the clinical significance of this variant is uncertain due to the absence of conclusive functional and genetic evidence.

Fulgent Genetics
Classification: Uncertain significance for Rubinstein-Taybi syndrome due to CREBBP mutations; Menke-Hennekam syndrome 1. Last evaluated: 2024-01-22. Review status: criteria provided, single submitter. Criteria: ACMG Guidelines, 2015. Collection method: clinical testing. Allele origin: germline.

Labcorp Genetics (formerly Invitae), Labcorp
Classification: Uncertain significance for Rubinstein-Taybi syndrome. Last evaluated: 2023-11-24. Review status: criteria provided, single submitter. Criteria: Invitae Variant Classification Sherloc (09022015). Collection method: clinical testing. Allele origin: germline.
Comment: This variant, c.6348_6383dup, results in the insertion of 12 amino acid(s) of the CREBBP protein (p.Leu2121_Gly2132dup), but otherwise preserves the integrity of the reading frame. This variant is not present in population databases (gnomAD no frequency). This variant has not been reported in the literature in individuals affected with CREBBP-related conditions. ClinVar contains an entry for this variant (Variation ID: 2414153). Experimental studies and prediction algorithms are not available or were not evaluated, and the functional significance of this variant is currently unknown. In summary, the available evidence is currently insufficient to determine the role of this variant in disease. Therefore, it has been classified as a Variant of Uncertain Significance.

NM_004380.3(CREBBP):c.6348_6383dup (p.Gly2132_Met2133insLeuGlnSerGlnProGlyMetGlnProGlnProGly)

Gene: CREBBP (CREB binding lysine acetyltransferase; minus strand). Cytogenetic location: 16p13.3.
Variant type: Duplication.
Coding change: c.6348_6383dup on transcript NM_004380.3 (MANE Select); coding-DNA positions 6348 to 6383, 36 bases duplicated.
Protein change: p.Gly2132_Met2133insLeuGlnSerGlnProGlyMetGlnProGlnProGly.
Molecular consequence: inframe insertion.
Genome position (GRCh38, 1-based): chr16:3,728,664-3,728,699, 36 bases duplicated; duplicating any 36 consecutive bases within chr16:3,728,664-3,728,713 gives the same sequence; the c. name uses the placement nearest the transcript's 3' end. GRCh37 (hg19): chr16:3,778,679-3,778,714.
Other names: c.6234_6269dup, p.Gly2094_Met2095insLeuGlnSerGlnProGlyMetGlnProGlnProGly (NM_001079846.1); c.6348_6383dup36 (NM_004380.2).
Identifiers: ClinVar variation 2414153 (VCV002414153.8), dbSNP rs764683609, ClinGen allele CA973904133.
Genomic context (GRCh38, chr16:3,728,663, plus strand): 5'-GCCAGCCTGCATGGCATTCAGGTTCTGCAGGCTGGGCTGCTGGTGCATGCCAGGCTGGGG[T>TTGCATGCCGGGCTGGGACTGGAGGCCAGGCTGGGGC]TGCATGCCGGGCTGGGACTGGAGGCCAGGCTGGGGCTGCATGCCGGGCTGATTGGCCACG-3'